The following is an entry in ClinVar:

ClinVar aggregate classification (germline): Likely benign (1 of 4 stars; one submission).

Submission:

CeGaT Center for Human Genetics Tuebingen
Classification: Likely benign. Last evaluated: 2022-11-01. Review status: criteria provided, single submitter. Criteria: CeGaT Center For Human Genetics Tuebingen Variant Classification Criteria Version 2. Collection method: clinical testing. Allele origin: germline. Affected: yes. Observed: 3 variant alleles.
Comment: CDK13: BS1

NM_003718.5(CDK13):c.2600+4936_2600+4938del

Gene: CDK13 (cyclin dependent kinase 13; plus strand). Cytogenetic location: 7p14.1.
Variant type: Deletion.
Coding change: c.2600+4936_2600+4938del on transcript NM_003718.5 (MANE Select); bases 4936 to 4938 of the intron after coding-DNA position 2600, 3 bases deleted (GAT; older notation c.2600+4936_2600+4938delGAT).
Molecular consequence: intron variant.
Genome position (GRCh38, 1-based): chr7:40,052,813-40,052,815, GAT deleted; deleting any 3 consecutive bases within chr7:40,052,811-40,052,815 gives the same sequence; the c. name uses the placement nearest the transcript's 3' end. VCF-style (leftmost placement, unchanged base first): chr7-40052810-CATG-C. GRCh37 (hg19) VCF-style: chr7-40092409-CATG-C.
Other names: c.2600+4936_2600+4938del (NM_031267.3).
Identifiers: ClinVar variation 2657402 (VCV002657402.24), dbSNP rs572701322, ClinGen allele CA157244336.